The following is an entry in ClinVar:

ClinVar aggregate classification (germline): Uncertain significance (1 of 4 stars; one submission).

Conditions:
Hypertrophic cardiomyopathy 26. Also called: Cardiomyopathy, familial hypertrophic, 26. Identifiers: Orphanet 75249, MedGen C4310749, MONDO:0014883, OMIM 617047.
Myofibrillar myopathy 5. Also called: Filaminopathy (type); FILAMINOPATHY, AUTOSOMAL DOMINANT. Identifiers: Orphanet 171445, MedGen C1836050, MONDO:0012289, OMIM 609524.
Distal myopathy with posterior leg and anterior hand involvement. Also called: WILLIAMS DISTAL MYOPATHY. Identifiers: Orphanet 63273, MedGen C3279722, MONDO:0013550, OMIM 614065.

gnomAD v4.1: 1 of 1,610,916 alleles (0.000062%); highest among the groups gnomAD compares: Non-Finnish European, 0.000085%; no homozygotes.

Submission:

Labcorp Genetics (formerly Invitae), Labcorp
Classification: Uncertain significance for Distal myopathy with posterior leg and anterior hand involvement; Myofibrillar myopathy 5; Hypertrophic cardiomyopathy 26. Last evaluated: 2025-10-22. Review status: criteria provided, single submitter. Criteria: Invitae Variant Classification Sherloc (09022015). Collection method: clinical testing. Allele origin: germline.
Comment: This sequence change replaces threonine, which is neutral and polar, with proline, which is neutral and non-polar, at codon 2613 of the FLNC protein (p.Thr2613Pro). This variant is not present in population databases (gnomAD no frequency). This variant has not been reported in the literature in individuals affected with FLNC-related conditions. An algorithm developed to predict the effect of missense changes on protein structure and function (PolyPhen-2) suggests that this variant is likely to be tolerated. In summary, the available evidence is currently insufficient to determine the role of this variant in disease. Therefore, it has been classified as a Variant of Uncertain Significance.

NM_001458.5(FLNC):c.7837A>C (p.Thr2613Pro)

Genes: FLNC (filamin C; plus strand), FLNC-AS1 (FLNC antisense RNA 1; minus strand). Cytogenetic location: 7q32.1.
Variant type: single nucleotide variant.
Coding change: c.7837A>C on transcript NM_001458.5 (MANE Select); coding-DNA position 7837, A replaced by C.
Protein change: p.Thr2613Pro; replaces threonine 2613 with proline.
Molecular consequence: missense variant.
Genome position (GRCh38, 1-based): chr7:128,858,064, A>C. VCF-style: chr7-128858064-A-C. GRCh37 (hg19) VCF-style: chr7-128498118-A-C.
Other names: c.7738A>C, p.Thr2580Pro (NM_001127487.2); short protein forms T2580P, T2613P.
Identifiers: ClinVar variation 4812619 (VCV004812619.1).
Genomic context (GRCh38, chr7:128,858,064, plus strand): 5'-TCAGGTCCGAGGCTGTCCGGAGGCCACAGCCTTCACGAAACATCCACGGTTCTGGTGGAG[A>C]CTGTGACCAAGTCCTCCTCAAGCCGGGGCTCCAGCTACAGCTCCATCCCCAAGTTCTCCT-3'
Protein context (NP_001449.3, residues 2603-2623): LHETSTVLVE[Thr2613Pro]VTKSSSSRGS